The following is an entry in ClinVar:

NM_139027.6(ADAMTS13):c.251_260del (p.Leu84fs)

Gene: ADAMTS13 (ADAM metallopeptidase with thrombospondin type 1 motif 13; plus strand). Cytogenetic location: 9q34.2.
Variant type: Deletion.
Coding change: c.251_260del on transcript NM_139027.6 (MANE Select); coding-DNA positions 251 to 260, 10 bases deleted (TGCTGGTGGC; older notation c.251_260delTGCTGGTGGC).
Protein change: p.Leu84fs; shifts the reading frame from leucine 84.
Molecular consequence: frameshift variant. On other transcripts: non-coding transcript variant (1).
Genome position (GRCh38, 1-based): chr9:133,424,399-133,424,408, TGCTGGTGGC deleted; deleting any 10 consecutive bases within chr9:133,424,397-133,424,408 gives the same sequence; the c. name uses the placement nearest the transcript's 3' end. VCF-style (leftmost placement, unchanged base first): chr9-133424396-AGCTGCTGGTG-A. GRCh37 (hg19) VCF-style: chr9-136289516-AGCTGCTGGTG-A.
Other names: c.251_260del, p.Leu84fs (NM_139025.5, NM_139026.6); short protein forms L84fs.
Identifiers: ClinVar variation 4880786 (VCV004880786.2).

ClinVar aggregate classification (germline): Likely pathogenic (1 of 4 stars; one submission).

Submission:

Dasa
Classification: Likely pathogenic. Last evaluated: 2024-10-16. Review status: criteria provided, single submitter. Criteria: DASA Assertion Criteria. Collection method: clinical testing. Allele origin: germline.
Comment: NM_139027.6(ADAMTS13):c.251_260del (p.Leu84Profs*43) is a frameshift variant in ADAMTS13 predicted to alter the reading frame and introduce a premature termination codon and is predicted to result in an absent or altered protein product. Loss of function is an established disease mechanism for ADAMTS13-associated disorders. Also, this variant is absent from population databases. Based on the currently available evidence, this variant is classified as likely pathogenic.